The following is an entry in ClinVar:

ClinVar aggregate classification (germline): Uncertain significance (1 of 4 stars; one submission).

Conditions:
Very long chain acyl-CoA dehydrogenase deficiency (ACADVLD). Also called: Very Long-Chain Acyl-Coenzyme A Dehydrogenase Deficiency; VLCAD Deficiency. Identifiers: Orphanet 26793, MedGen C3887523, MONDO:0008723, OMIM 201475.

Allele frequency attached by ClinVar (database versions not stated): gnomAD exomes below 0.00001; gnomAD 0.00001.
gnomAD v4.1: 4 of 1,613,104 alleles (0.00025%); highest among the groups gnomAD compares: Non-Finnish European, 0.00025%; no homozygotes.

Submission:

Wong Mito Lab, Molecular and Human Genetics, Baylor College of Medicine
Classification: Uncertain significance for Very long chain acyl-CoA dehydrogenase deficiency. Last evaluated: 2019-11-01. Review status: criteria provided, single submitter. Criteria: ACMG Guidelines, 2015. Collection method: clinical testing. Allele origin: germline.
Comment: The NM_000018.3:c.1040C>T (NP_000009.1:p.Ala347Val) [GRCH38: NC_000017.11:g.7222828C>T] variant in ACADVL gene is interpretated to be Uncertain Significance based on ACMG guidelines (PMID: 25741868). This variant has been reported. This variant meets the following evidence codes reported in the ACMG guidelines: BP4

NM_000018.4(ACADVL):c.1040C>T (p.Ala347Val)

Gene: ACADVL (acyl-CoA dehydrogenase very long chain; plus strand). Cytogenetic location: 17p13.1.
Variant type: single nucleotide variant.
Coding change: c.1040C>T on transcript NM_000018.4 (MANE Select); coding-DNA position 1040, C replaced by T.
Protein change: p.Ala347Val; replaces alanine 347 with valine.
Molecular consequence: missense variant.
Genome position (GRCh38, 1-based): chr17:7,222,828, C>T. VCF-style: chr17-7222828-C-T. GRCh37 (hg19) VCF-style: chr17-7126147-C-T.
Other names: c.974C>T, p.Ala325Val (NM_001033859.3); c.1109C>T, p.Ala370Val (NM_001270447.2); c.812C>T, p.Ala271Val (NM_001270448.2); short protein forms A271V, A325V, A347V, A370V.
Identifiers: ClinVar variation 932869 (VCV000932869.2), dbSNP rs2071295317, ClinGen allele CA397724224.